The following is an entry in ClinVar:

ClinVar aggregate classification (germline): Uncertain significance (1 of 4 stars; one submission).

Conditions:
Inborn genetic diseases. Identifiers: MedGen C0950123, MeSH D030342.

Submission:

Ambry Genetics
Classification: Uncertain significance for Inborn genetic diseases. Last evaluated: 2025-11-12. Review status: criteria provided, single submitter. Criteria: Ambry Variant Classification Scheme 2023. Collection method: clinical testing. Allele origin: germline.
Comment: The c.661C>T (p.R221C) alteration is located in exon 9 (coding exon 6) of the SPOP gene. This alteration results from a C to T substitution at nucleotide position 661, causing the arginine (R) at amino acid position 221 to be replaced by a cysteine (C). This variant was not reported in population-based cohorts in the Genome Aggregation Database (gnomAD). This amino acid position is highly conserved in available vertebrate species. This missense alteration is located in a region that has a low rate of benign missense variation (Lek, 2016; Firth, 2009). This alteration is predicted to be deleterious by in silico analysis. Based on insufficient or conflicting evidence, the clinical significance of this alteration remains unclear.

NM_001007228.2(SPOP):c.661C>T (p.Arg221Cys)

Gene: SPOP (speckle type BTB/POZ protein; minus strand). Cytogenetic location: 17q21.33.
Variant type: single nucleotide variant.
Coding change: c.661C>T on transcript NM_001007228.2 (MANE Select); coding-DNA position 661, C replaced by T.
Protein change: p.Arg221Cys; replaces arginine 221 with cysteine.
Molecular consequence: missense variant.
Genome position (GRCh38, 1-based): chr17:49,607,927, G>A on the plus strand (C>T on the coding strand, the complement: SPOP is on the minus strand). VCF-style: chr17-49607927-G-A. GRCh37 (hg19) VCF-style: chr17-47685289-G-A.
Other names: c.661C>T, p.Arg221Cys (NM_001007226.1, NM_001007227.1, NM_001007229.1 and 5 more transcripts); short protein forms R221C.
Identifiers: ClinVar variation 3800863 (VCV003800863.2).
Genomic context (GRCh38, chr17:49,607,927, plus strand): 5'-TACATACCTTTTTGCTCTCCTCCATTTCATGTTCAAACATGGCACTAAAAACCGGAGAAC[G>A]AGCTACAAAGTCAAAGAGAAACAAGCAGATAAGGCTATCACAGTGAAATCTCTTGGTTGT-3'
Protein context (NP_001007229.1, residues 211-231): FQAHKAILAA[Arg221Cys]SPVFSAMFEH